The following is an entry in ClinVar:

NM_001370259.2(MEN1):c.1655C>T (p.Thr552Ile)

Gene: MEN1 (menin 1; minus strand). Cytogenetic location: 11q13.1.
Variant type: single nucleotide variant.
Coding change: c.1655C>T on transcript NM_001370259.2 (MANE Select); coding-DNA position 1655, C replaced by T.
Protein change: p.Thr552Ile; replaces threonine 552 with isoleucine.
Molecular consequence: missense variant. On other transcripts: non-coding transcript variant (4).
Genome position (GRCh38, 1-based): chr11:64,804,512, G>A on the plus strand (C>T on the coding strand, the complement: MEN1 is on the minus strand). VCF-style: chr11-64804512-G-A. GRCh37 (hg19) VCF-style: chr11-64571984-G-A.
Other names: c.1670C>T, p.Thr557Ile (NM_130800.3, NM_130801.3, NM_130802.3 and 4 more transcripts); c.1781C>T, p.Thr594Ile (NM_001370251.2, NM_001407142.1, NM_001407143.1 and 1 more transcripts); c.1655C>T, p.Thr552Ile (NM_001370260.2, NM_001370261.2, NM_001407146.1 and 2 more transcripts); c.1550C>T, p.Thr517Ile (NM_001370262.2, NM_001370263.2, NM_001407148.1 and 1 more transcripts); c.1796C>T, p.Thr599Ile (NM_001407150.1); c.1676C>T, p.Thr559Ile (NM_001407151.1); c.1490C>T, p.Thr497Ile (NM_001407152.1); short protein forms T594I, T552I, T517I, T557I, T599I, T497I, T559I.
Identifiers: ClinVar variation 3394968 (VCV003394968.3).

ClinVar aggregate classification (germline): Uncertain significance. Review status: criteria provided, multiple submitters, no conflicts (2 of 4 stars). 2 submissions from 2 submitters: Uncertain significance (2). Last evaluated 2025-07-31.

Conditions:
Multiple endocrine neoplasia, type 1 (MEN1). Also called: MEN I; WERMER SYNDROME; Endocrine adenomatosis multiple; MEN 1; MEA I. Identifiers: Orphanet 652, MedGen C0025267, MeSH D018761, MONDO:0007540, OMIM 131100.
Hereditary cancer-predisposing syndrome. Also called: Hereditary Cancer Syndrome; Hereditary neoplastic syndrome; Neoplastic Syndromes, Hereditary; Tumor predisposition. Identifiers: Orphanet 140162, MedGen C0027672, MeSH D009386, MONDO:0015356.

Submissions (2):

Labcorp Genetics (formerly Invitae), Labcorp
Classification: Uncertain significance for Multiple endocrine neoplasia, type 1. Last evaluated: 2025-07-31. Review status: criteria provided, single submitter. Criteria: Invitae Variant Classification Sherloc (09022015). Collection method: clinical testing. Allele origin: germline.
Comment: This sequence change replaces threonine, which is neutral and polar, with isoleucine, which is neutral and non-polar, at codon 552 of the MEN1 protein (p.Thr552Ile). This variant is not present in population databases (gnomAD no frequency). This variant has not been reported in the literature in individuals affected with MEN1-related conditions. ClinVar contains an entry for this variant (Variation ID: 3394968). Invitae Evidence Modeling of protein sequence and biophysical properties (such as structural, functional, and spatial information, amino acid conservation, physicochemical variation, residue mobility, and thermodynamic stability) has been performed for this missense variant. However, the output from this modeling did not meet the statistical confidence thresholds required to predict the impact of this variant on MEN1 protein function. In summary, the available evidence is currently insufficient to determine the role of this variant in disease. Therefore, it has been classified as a Variant of Uncertain Significance.

Ambry Genetics
Classification: Uncertain significance for Hereditary cancer-predisposing syndrome. Last evaluated: 2024-09-15. Review status: criteria provided, single submitter. Criteria: Ambry Variant Classification Scheme 2023. Collection method: clinical testing. Allele origin: germline.
Comment: The p.T552I variant (also known as c.1655C>T), located in coding exon 9 of the MEN1 gene, results from a C to T substitution at nucleotide position 1655. The threonine at codon 552 is replaced by isoleucine, an amino acid with similar properties. This amino acid position is conserved. In addition, the in silico prediction for this alteration is inconclusive. Based on the available evidence, the clinical significance of this variant remains unclear.